The following is an entry in ClinVar:

ClinVar aggregate classification (germline): Pathogenic (1 of 4 stars; one submission).

Conditions:
Ehlers-Danlos syndrome, type 4 (EDSVASC). Also called: Ehlers-Danlos syndrome vascular type; Ehlers Danlos syndrome, ecchymotic type; Ehlers Danlos syndrome, arterial type; Ehlers Danlos syndrome, Sack-Barabas type; Ehlers-Danlos Syndrome Type IV. Identifiers: Orphanet 286, MedGen C0268338, MONDO:0017314, OMIM 130050.

Submission:

Labcorp Genetics (formerly Invitae), Labcorp
Classification: Pathogenic for Ehlers-Danlos syndrome, type 4. Last evaluated: 2022-02-28. Review status: criteria provided, single submitter. Criteria: Invitae Variant Classification Sherloc (09022015). Collection method: clinical testing. Allele origin: germline.
Comment: This variant is not present in population databases (gnomAD no frequency). This variant has not been reported in the literature in individuals affected with COL3A1-related conditions. For these reasons, this variant has been classified as Pathogenic. This sequence change creates a premature translational stop signal (p.Gly168Argfs*38) in the COL3A1 gene. It is expected to result in an absent or disrupted protein product. Loss-of-function variants in COL3A1 are known to be pathogenic (PMID: 24922459).

Literature cited by the submitters: PubMed 24922459.

NM_000090.4(COL3A1):c.500dup (p.Gly168fs)

Gene: COL3A1 (collagen type III alpha 1 chain; plus strand). Cytogenetic location: 2q32.2.
Variant type: Duplication.
Coding change: c.500dup on transcript NM_000090.4 (MANE Select); coding-DNA position 500, one base duplicated (G; older notation c.500dupG).
Protein change: p.Gly168fs; shifts the reading frame from glycine 168.
Molecular consequence: frameshift variant.
Genome position (GRCh38, 1-based): chr2:188,987,111, G duplicated; the last of 2 consecutive G bases (chr2:188,987,110-188,987,111); duplicating either gives the same sequence. VCF-style (leftmost placement, unchanged base first): chr2-188987109-A-AG. GRCh37 (hg19) VCF-style: chr2-189851835-A-AG.
Other names: short protein forms G168fs.
Identifiers: ClinVar variation 2089280 (VCV002089280.4), dbSNP rs2469111486, ClinGen allele CA2580065260.